The following is an entry in ClinVar:

NM_005476.7(GNE):c.1156A>C (p.Lys386Gln)

Gene: GNE (glucosamine (UDP-N-acetyl)-2-epimerase/N-acetylmannosamine kinase; minus strand). Cytogenetic location: 9p13.3.
Variant type: single nucleotide variant.
Coding change: c.1156A>C on transcript NM_005476.7 (MANE Select); coding-DNA position 1156, A replaced by C.
Protein change: p.Lys386Gln; replaces lysine 386 with glutamine.
Molecular consequence: missense variant.
Genome position (GRCh38, 1-based): chr9:36,227,373, T>G on the plus strand (A>C on the coding strand, the complement: GNE is on the minus strand). VCF-style: chr9-36227373-T-G. GRCh37 (hg19) VCF-style: chr9-36227370-T-G.
Other names: c.1249A>C, p.Lys417Gln (NM_001128227.3); c.1156A>C, p.Lys386Gln (NM_001190383.3); c.826A>C, p.Lys276Gln (NM_001190384.3); c.979A>C, p.Lys327Gln (NM_001190388.2, NM_001374798.1); c.1003A>C, p.Lys335Gln (NM_001374797.1); short protein forms K386Q, K417Q, K276Q, K327Q, K335Q.
Identifiers: ClinVar variation 500553 (VCV000500553.10), dbSNP rs1180382282, ClinGen allele CA373428917.

ClinVar aggregate classification (germline): Uncertain significance. Review status: criteria provided, multiple submitters, no conflicts (2 of 4 stars). 2 submissions from 2 submitters: Uncertain significance (2). Last evaluated 2025-07-28.

Conditions:
Sialuria. Also called: Sialic Acid Storage Disease; SIALURIA, FRENCH TYPE. Identifiers: Orphanet 3166, MedGen C0342853, MONDO:0010028, OMIM 269921.
GNE myopathy (NM). Also called: NONAKA DISTAL MYOPATHY; MYOPATHY, DISTAL, WITH OR WITHOUT RIMMED VACUOLES; INCLUSION BODY MYOPATHY, HEREDITARY, AUTOSOMAL RECESSIVE; INCLUSION BODY MYOPATHY 2, AUTOSOMAL RECESSIVE; IBM 2; Inclusion body myopathy autosomal recessive. Identifiers: Orphanet 602, MedGen C1853926, MONDO:0011603, OMIM 605820.

Allele frequency attached by ClinVar (database versions not stated): gnomAD 0.00002 and 0.00003; TOPMed 0.00002.

Submissions (2):

Labcorp Genetics (formerly Invitae), Labcorp
Classification: Uncertain significance for Sialuria; GNE myopathy. Last evaluated: 2025-07-28. Review status: criteria provided, single submitter. Criteria: Invitae Variant Classification Sherloc (09022015). Collection method: clinical testing. Allele origin: germline.
Comment: This sequence change replaces lysine, which is basic and polar, with glutamine, which is neutral and polar, at codon 417 of the GNE protein (p.Lys417Gln). The frequency data for this variant in the population databases is considered unreliable, as metrics indicate poor data quality at this position in the gnomAD database. This variant has not been reported in the literature in individuals affected with GNE-related conditions. ClinVar contains an entry for this variant (Variation ID: 500553). Invitae Evidence Modeling of protein sequence and biophysical properties (such as structural, functional, and spatial information, amino acid conservation, physicochemical variation, residue mobility, and thermodynamic stability) has been performed for this missense variant. However, the output from this modeling did not meet the statistical confidence thresholds required to predict the impact of this variant on GNE protein function. In summary, the available evidence is currently insufficient to determine the role of this variant in disease. Therefore, it has been classified as a Variant of Uncertain Significance.

Eurofins Ntd Llc (ga)
Classification: Uncertain significance. Last evaluated: 2017-02-27. Review status: criteria provided, single submitter. Criteria: EGL Classification Definitions 2015. Collection method: clinical testing. Allele origin: germline. Observed: 1 variant allele, 1 heterozygote.